The following is an entry in ClinVar:

ClinVar aggregate classification (germline): Conflicting classifications of pathogenicity. Review status: criteria provided, conflicting classifications (1 of 4 stars). 7 submissions from 7 submitters: Pathogenic (2); Likely pathogenic (2); Uncertain significance (1). 2 of the submissions do not count toward it. Last evaluated 2025-07-27.

Conditions:
Inborn genetic diseases. Identifiers: MedGen C0950123, MeSH D030342.
Leukoencephalopathy with vanishing white matter 1 (VWM1). Also called: Vanishing white matter leukodystrophy; EIF2B1-Related Childhood Ataxia with Central Nervous System Hypomyelination/Vanishing White Matter; CHILDHOOD ATAXIA WITH CENTRAL NERVOUS SYSTEM HYPOMYELINIZATION; Cree leukoencephalopathy. Identifiers: Orphanet 99854, MedGen C5779972, MONDO:0020507, OMIM 603896.
Leukoencephalopathy with vanishing white matter 4 (VWM4). Also called: Leukoencephalopathy with vanishing white matter 4, with or without ovarian failure; EIF2B4-Related Childhood Ataxia with Central Nervous System Hypomyelination/Vanishing White Matter. Identifiers: MedGen C5830406, MONDO:0957872, OMIM 620314.
Vanishing white matter disease. Also called: CACH syndrome; Childhood ataxia with diffuse central nervous system hypomyelination; Leukoencephalopathy with vanishing white matter; CACH/VWM syndrome; Cree leukoencehalopathy. Identifiers: Orphanet 135, Orphanet 99853, MedGen C1858991, MONDO:0800448.

Allele frequency attached by ClinVar (database versions not stated): ExAC 0.00006; ESP Exome Variant Server 0.00015; gnomAD 0.00002 and 0.00003; gnomAD exomes 0.00003; TOPMed 0.00004.
gnomAD v4.1: 55 of 1,598,588 alleles (0.0034%); highest among the groups gnomAD compares: African/African-American, 0.004%; no homozygotes.

Submissions (7):

Labcorp Genetics (formerly Invitae), Labcorp
Classification: Pathogenic. Last evaluated: 2025-07-27. Review status: criteria provided, single submitter. Criteria: Invitae Variant Classification Sherloc (09022015). Collection method: clinical testing. Allele origin: germline.
Comment: This sequence change replaces arginine, which is basic and polar, with glutamine, which is neutral and polar, at codon 208 of the EIF2B4 protein (p.Arg208Gln). The frequency data for this variant in the population databases is considered unreliable, as metrics indicate poor data quality at this position in the gnomAD database. This missense change has been observed in individual(s) with leukoencephalopathy with vanishing white matter (PMID: 15054402, 15136673, 15776425; internal data). In at least one individual the data is consistent with being in trans (on the opposite chromosome) from a pathogenic variant. This variant is also known as R209Q. ClinVar contains an entry for this variant (Variation ID: 420063). An algorithm developed to predict the effect of missense changes on protein structure and function outputs the following: PolyPhen-2: "Benign". The glutamine amino acid residue is found in multiple mammalian species, which suggests that this missense change does not adversely affect protein function. For these reasons, this variant has been classified as Pathogenic.

GeneDx
Classification: Likely pathogenic. Last evaluated: 2025-07-04. Review status: criteria provided, single submitter. Criteria: GeneDx Variant Classification Process June 2021. Collection method: clinical testing. Allele origin: germline. Affected: yes.
Comment: In silico analysis suggests that this missense variant does not alter protein structure/function; This variant is associated with the following publications: (PMID: 15776425, 15136673, 28334938, 20016818, 22430157, 15054402, 36927728, 18263758, 30778629)

Fulgent Genetics
Classification: Likely pathogenic for Leukoencephalopathy with vanishing white matter 4. Last evaluated: 2024-05-23. Review status: criteria provided, single submitter. Criteria: ACMG Guidelines, 2015. Collection method: clinical testing. Allele origin: germline.

Ambry Genetics
Classification: Uncertain significance for Inborn genetic diseases. Last evaluated: 2021-04-21. Review status: criteria provided, single submitter. Criteria: Ambry Variant Classification Scheme 2023. Collection method: clinical testing. Allele origin: germline.
Comment: The c.623G>A (p.R208Q) alteration is located in exon 7 (coding exon 7) of the EIF2B4 gene. This alteration results from a G to A substitution at nucleotide position 623, causing the arginine (R) at amino acid position 208 to be replaced by a glutamine (Q). The in silico prediction for the p.R208Q alteration is inconclusive. Based on insufficient or conflicting evidence, the clinical significance of this alteration remains unclear.

Victorian Clinical Genetics Services, Murdoch Childrens Research Institute
Classification: Pathogenic for Vanishing white matter disease. Last evaluated: 2020-05-21. Review status: criteria provided, single submitter. Criteria: ACMG Guidelines, 2015. Collection method: clinical testing. Allele origin: germline. Inheritance: Autosomal recessive inheritance. Affected: yes.
Comment: A homozygous missense variant was identified, NM_015636.3(EIF2B4):c.623G>A in exon 7 of 13 of the EIF2B4 gene. This substitution is predicted to create a minor amino acid change from arginine to glutamine at position 208 of the protein, NP_056451.3(EIF2B4):p.Arg208Gln. The arginine at this position has low conservation (100 vertebrates, UCSC), and is not situated in a known functional domain. In silico software predictions of the pathogenicity of this variant are conflicting (Polyphen, SIFT, CADD, Mutation Taster). The variant is present in the gnomAD population database at a frequency of 0.0035% (9 heterozygotes, 0 homozygotes). The variant has been previously reported as likely pathogenic (ClinVar) and pathogenic in patients with vanishing white matter disease (LOVD, Lynch, D. S., et al. (2017), Horzinski, L., et al. (2009), Fogli, A., et al. (2004), van der Lei, H. D., et al. (2012), Maletkovic, J ., et al. (2008), Ohlenbusch, A., et al . (2005)). It has also been shown to segregate with disease in one family (Fogli, A., et al. (2004)). In addition, functional studies show that this variant in transformed patient cells causes a ~50% reduction in eIF2B GEF activity (Horzinski, L., et al. (2009). Based on information available at the time of curation, this variant has been classified as PATHOGENIC.

Solve-RD Consortium
Classification: Likely pathogenic for Leukoencephalopathy with vanishing white matter 1. Last evaluated: 2022-06-01. Review status: no assertion criteria provided. Collection method: provider interpretation. Allele origin: inherited. Affected: yes. Not counted in ClinVar's aggregate classification.
Comment: Variant confirmed as disease-causing by referring clinical team

Variant identified during reanalysis of unsolved cases by the Solve-RD project. The Solve-RD project has received funding from the European Union’s Horizon 2020 research and innovation programme under grant agreement No 779257.

Biochemical Molecular Genetic Laboratory, King Abdulaziz Medical City
Classification: Uncertain significance for Leukoencephalopathy with vanishing white matter 1. Last evaluated: 2019-08-25. Review status: no assertion criteria provided. Collection method: clinical testing. Allele origin: germline. Affected: yes. Not counted in ClinVar's aggregate classification.

Literature cited by the submitters: PubMed 15054402 (cited by Labcorp Genetics (formerly Invitae), Labcorp and Victorian Clinical Genetics Services, Murdoch Childrens Research Institute); PubMed 15136673 (cited by Labcorp Genetics (formerly Invitae), Labcorp and Ambry Genetics); PubMed 15776425 (cited by 3 submitters); PubMed 28334938 (cited by Ambry Genetics and Victorian Clinical Genetics Services, Murdoch Childrens Research Institute); PubMed 18263758 (cited by Victorian Clinical Genetics Services, Murdoch Childrens Research Institute); PubMed 20016818 (cited by Victorian Clinical Genetics Services, Murdoch Childrens Research Institute); PubMed 22430157 (cited by Victorian Clinical Genetics Services, Murdoch Childrens Research Institute); PubMed 39825153 (cited by Solve-RD Consortium).

NM_001034116.2(EIF2B4):c.626G>A (p.Arg209Gln)

Gene: EIF2B4 (eukaryotic translation initiation factor 2B subunit delta; minus strand). Cytogenetic location: 2p23.3.
Variant type: single nucleotide variant.
Coding change: c.626G>A on transcript NM_001034116.2 (MANE Select); coding-DNA position 626, G replaced by A.
Protein change: p.Arg209Gln; replaces arginine 209 with glutamine.
Molecular consequence: missense variant.
Genome position (GRCh38, 1-based): chr2:27,368,104, C>T on the plus strand (G>A on the coding strand, the complement: EIF2B4 is on the minus strand). VCF-style: chr2-27368104-C-T. GRCh37 (hg19) VCF-style: chr2-27590971-C-T.
Other names: c.689G>A, p.Arg230Gln (NM_001318965.2); c.581G>A, p.Arg194Gln (NM_001318966.2); c.533G>A, p.Arg178Gln (NM_001318967.2); c.41G>A, p.Arg14Gln (NM_001318968.2); c.8G>A, p.Arg3Gln (NM_001318969.2); c.623G>A, p.Arg208Gln (NM_015636.4); c.686G>A, p.Arg229Gln (NM_172195.4); short protein forms R208Q, R209Q, R230Q, R178Q, R194Q, R229Q, R3Q, R14Q.
Identifiers: ClinVar variation 420063 (VCV000420063.14), dbSNP rs113994028, ClinGen allele CA1576829.